The following is an entry in ClinVar:

ClinVar aggregate classification (germline): Conflicting classifications of pathogenicity. Review status: criteria provided, conflicting classifications (1 of 4 stars). 4 submissions from 3 submitters: Uncertain significance (1); Benign (1); Likely benign (2). Last evaluated 2021-05-18.

Conditions:
Congenital Muscular Dystrophy, alpha-dystroglycan related.
Autosomal recessive limb-girdle muscular dystrophy type 2O. Also called: Limb-Girdle Muscular Dystrophy Type 3C; MUSCULAR DYSTROPHY-DYSTROGLYCANOPATHY (LIMB-GIRDLE), TYPE C, 3; MUSCULAR DYSTROPHY-DYSTROGLYCANOPATHY, LIMB-GIRDLE, POMGNT1-RELATED. Identifiers: Orphanet 206564, MedGen C3150417, MONDO:0013161, OMIM 613157.

Allele frequency attached by ClinVar (database versions not stated): gnomAD exomes 0.00435; ExAC 0.00471; gnomAD 0.00484 and 0.00536; ESP Exome Variant Server 0.00507; TOPMed 0.00522; 1000 Genomes Project 30x 0.00843; 1000 Genomes Project 0.00899.
gnomAD v4.1: 3,821 of 1,613,710 alleles (0.24%); highest among the groups gnomAD compares: South Asian, 1.6%; 46 homozygotes.

Submissions (4):

Pars Genome Lab
Classification: Likely benign for Autosomal recessive limb-girdle muscular dystrophy type 2O. Last evaluated: 2021-05-18. Review status: criteria provided, single submitter. Criteria: ACMG Guidelines, 2015. Collection method: clinical testing. Allele origin: germline. Affected: no.

Illumina Laboratory Services, Illumina
Classification: Likely benign for Congenital Muscular Dystrophy, alpha-dystroglycan related. Last evaluated: 2017-04-27. Review status: criteria provided, single submitter. Criteria: ICSL Variant Classification Criteria 13 December 2019. Collection method: clinical testing. Allele origin: germline.
Comment: This variant was observed as part of a predisposition screen in an ostensibly healthy population. A literature search was performed for the gene, cDNA change, and amino acid change (where applicable). No publications were found based on this search. Allele frequency data from public databases allowed determination this variant is unlikely to cause disease. Therefore, this variant is classified as likely benign.

Illumina Laboratory Services, Illumina
Classification: Uncertain significance for Autosomal recessive limb-girdle muscular dystrophy type 2O. Last evaluated: 2017-04-27. Review status: criteria provided, single submitter. Criteria: ICSL Variant Classification Criteria 13 December 2019. Collection method: clinical testing. Allele origin: germline.

GeneDx
Classification: Benign. Last evaluated: 2014-06-09. Review status: criteria provided, single submitter. Criteria: GeneDx Variant Classification (06012015). Collection method: clinical testing. Allele origin: germline. Affected: yes.
Comment: This variant is considered likely benign or benign based on one or more of the following criteria: it is a conservative change, it occurs at a poorly conserved position in the protein, it is predicted to be benign by multiple in silico algorithms, and/or has population frequency not consistent with disease.

NM_017739.4(POMGNT1):c.-11G>A

Gene: POMGNT1 (protein O-linked mannose N-acetylglucosaminyltransferase 1 (beta 1,2-); minus strand). Cytogenetic location: 1p34.1.
Variant type: single nucleotide variant.
Coding change: c.-11G>A on transcript NM_017739.4 (MANE Select); 11 bases upstream of the start codon, G replaced by A.
Molecular consequence: 5 prime UTR variant.
Genome position (GRCh38, 1-based): chr1:46,197,832, C>T on the plus strand (G>A on the coding strand, the complement: POMGNT1 is on the minus strand). VCF-style: chr1-46197832-C-T. GRCh37 (hg19) VCF-style: chr1-46663504-C-T.
Other names: c.-11G>A (NM_001243766.2).
Identifiers: ClinVar variation 138785 (VCV000138785.8), dbSNP rs80107141, ClinGen allele CA292891.